The following is an entry in ClinVar:

NC_000016.9:g.(?_89574826)_(89597236_?)del

Gene: SPG7 (SPG7 matrix AAA peptidase subunit, paraplegin; plus strand). Cytogenetic location: 16q24.3.
Variant type: Deletion.
Identifiers: ClinVar variation 1459618 (VCV001459618.4).

ClinVar aggregate classification (germline): Pathogenic (1 of 4 stars; one submission).

Conditions:
Hereditary spastic paraplegia 7 (SPG7). Also called: Autosomal recessive spastic paraplegia type 7; SPG7-related neurologic disorder; SPASTIC PARAPLEGIA 7, AUTOSOMAL RECESSIVE, WITH OR WITHOUT CEREBELLAR ATAXIA; Spastic paraplegia 7; Hereditary spastic paraplegia Paraplegin type. Identifiers: Orphanet 99013, MedGen C1846564, MONDO:0011803, OMIM 607259.

Submission:

Labcorp Genetics (formerly Invitae), Labcorp
Classification: Pathogenic for Hereditary spastic paraplegia 7. Last evaluated: 2024-01-19. Review status: criteria provided, single submitter. Criteria: Invitae Variant Classification Sherloc (09022015). Collection method: clinical testing. Allele origin: germline.
Comment: This variant is a gross deletion of the genomic region encompassing exon(s) 1-7 of the SPG7 gene, which includes the initiator codon. This deletion extends beyond the assayed region for this gene and therefore may encompass additional genes. It is expected to result in an absent or disrupted protein product. Loss-of-function variants in SPG7 are known to be pathogenic (PMID: 21623769, 22964162). This variant has not been reported in the literature in individuals affected with SPG7-related conditions. For these reasons, this variant has been classified as Pathogenic.

Literature cited by the submitters: PubMed 21623769; PubMed 22964162.